The following is an entry in ClinVar:

NM_001267550.2(TTN):c.92152+10C>T

Genes: TTN-AS1 (TTN antisense RNA 1; plus strand), TTN (titin; minus strand). Cytogenetic location: 2q31.2.
Variant type: single nucleotide variant.
Coding change: c.92152+10C>T on transcript NM_001267550.2 (MANE Select); 10 bases into the intron after coding-DNA position 92152, C replaced by T.
Molecular consequence: intron variant.
Genome position (GRCh38, 1-based): chr2:178,549,560, G>A on the plus strand (C>T on the coding strand, the complement: TTN is on the minus strand). VCF-style: chr2-178549560-G-A. GRCh37 (hg19) VCF-style: chr2-179414287-G-A.
Other names: c.87229+10C>T (NM_001256850.1); c.64957+10C>T (NM_003319.4); c.65533+10C>T (NM_133437.4); c.65332+10C>T (NM_133432.3); c.84448+10C>T (NM_133378.4).
Identifiers: ClinVar variation 508175 (VCV000508175.12), dbSNP rs376007682, ClinGen allele CA1987487.

ClinVar aggregate classification (germline): Likely benign. Review status: criteria provided, multiple submitters, no conflicts (2 of 4 stars). 2 submissions from 2 submitters: Likely benign (2). Last evaluated 2026-02-03.

Conditions:
Dilated cardiomyopathy 1G (CMD1G). Identifiers: Orphanet 154, MedGen C1858763, MONDO:0011400, OMIM 604145.
Autosomal recessive limb-girdle muscular dystrophy type 2J (LGMDR10). Also called: Limb-girdle muscular dystrophy, type 2J; MUSCULAR DYSTROPHY, LIMB-GIRDLE, AUTOSOMAL RECESSIVE 10. Identifiers: Orphanet 140922, MedGen C1837342, MONDO:0012127, OMIM 608807.

Allele frequency attached by ClinVar (database versions not stated): ExAC 0.00001; gnomAD exomes 0.00001; gnomAD 0.00002; TOPMed 0.00002; ESP Exome Variant Server 0.00008.
gnomAD v4.1: 29 of 1,605,944 alleles (0.0018%); highest among the groups gnomAD compares: Non-Finnish European, 0.0024%; no homozygotes.

Submissions (2):

Labcorp Genetics (formerly Invitae), Labcorp
Classification: Likely benign for Dilated cardiomyopathy 1G; Autosomal recessive limb-girdle muscular dystrophy type 2J. Last evaluated: 2026-02-03. Review status: criteria provided, single submitter. Criteria: Invitae Variant Classification Sherloc (09022015). Collection method: clinical testing. Allele origin: germline.

GeneDx
Classification: Likely benign. Last evaluated: 2017-03-13. Review status: criteria provided, single submitter. Criteria: GeneDx Variant Classification (06012015). Collection method: clinical testing. Allele origin: germline. Affected: yes.
Comment: This variant is considered likely benign or benign based on one or more of the following criteria: it is a conservative change, it occurs at a poorly conserved position in the protein, it is predicted to be benign by multiple in silico algorithms, and/or has population frequency not consistent with disease.